The following is an entry in ClinVar:

ClinVar aggregate classification (germline): Uncertain significance (1 of 4 stars; one submission).

gnomAD v4.1: 2 of 1,613,786 alleles (0.00012%); highest among the groups gnomAD compares: African/African-American, 0.0027%; no homozygotes.

Submission:

Labcorp Genetics (formerly Invitae), Labcorp
Classification: Uncertain significance. Last evaluated: 2022-03-02. Review status: criteria provided, single submitter. Criteria: Invitae Variant Classification Sherloc (09022015). Collection method: clinical testing. Allele origin: germline.
Comment: This variant has not been reported in the literature in individuals affected with CDH3-related conditions. This variant is not present in population databases (gnomAD no frequency). This sequence change replaces aspartic acid with histidine at codon 108 of the CDH3 protein (p.Asp108His). The aspartic acid residue is moderately conserved and there is a moderate physicochemical difference between aspartic acid and histidine. Algorithms developed to predict the effect of missense changes on protein structure and function are either unavailable or do not agree on the potential impact of this missense change (SIFT: "Not Available"; PolyPhen-2: "Benign"; Align-GVGD: "Not Available"). In summary, the available evidence is currently insufficient to determine the role of this variant in disease. Therefore, it has been classified as a Variant of Uncertain Significance.

NM_001793.6(CDH3):c.322G>C (p.Asp108His)

Gene: CDH3 (cadherin 3; plus strand). Cytogenetic location: 16q22.1.
Variant type: single nucleotide variant.
Coding change: c.322G>C on transcript NM_001793.6 (MANE Select); coding-DNA position 322, G replaced by C.
Protein change: p.Asp108His; replaces aspartic acid 108 with histidine.
Molecular consequence: missense variant.
Genome position (GRCh38, 1-based): chr16:68,678,209, G>C. VCF-style: chr16-68678209-G-C. GRCh37 (hg19) VCF-style: chr16-68712112-G-C.
Other names: c.322G>C, p.Asp108His (NM_001317195.3); c.157G>C, p.Asp53His (NM_001317196.2); short protein forms D53H, D108H.
Identifiers: ClinVar variation 1475114 (VCV001475114.6), dbSNP rs2152099845, ClinGen allele CA396448685.